The following is an entry in ClinVar:

NM_020877.5(DNAH2):c.12184A>C (p.Ile4062Leu)

Gene: DNAH2 (dynein axonemal heavy chain 2; plus strand). Cytogenetic location: 17p13.1.
Variant type: single nucleotide variant.
Coding change: c.12184A>C on transcript NM_020877.5 (MANE Select); coding-DNA position 12184, A replaced by C.
Protein change: p.Ile4062Leu; replaces isoleucine 4062 with leucine.
Molecular consequence: missense variant.
Genome position (GRCh38, 1-based): chr17:7,830,796, A>C. VCF-style: chr17-7830796-A-C. GRCh37 (hg19) VCF-style: chr17-7734114-A-C.
Other names: c.12184A>C (NM_020877.3); short protein forms I4062L.
Identifiers: ClinVar variation 402714 (VCV000402714.7), dbSNP rs79350244, ClinGen allele CA8359675.

ClinVar aggregate classification (germline): Benign. Review status: criteria provided, multiple submitters, no conflicts (2 of 4 stars). 3 submissions from 3 submitters: Benign (2). 1 of the submissions does not count toward it. Last evaluated 2016-03-29.

Conditions:
DNAH2-related disorder. Also called: DNAH2-related condition.

Allele frequency attached by ClinVar (database versions not stated): 1000 Genomes Project 30x 0.01249; 1000 Genomes Project 0.01278; TOPMed 0.02126; ESP Exome Variant Server 0.02191; gnomAD 0.02271 and 0.02345; ExAC 0.02329; gnomAD exomes 0.02336 and 0.02457.
gnomAD v4.1: 38,029 of 1,614,040 alleles (2.4%); highest among the groups gnomAD compares: Middle Eastern, 8.7%; 621 homozygotes.

Submissions (3):

Laboratory for Molecular Medicine, Mass General Brigham Personalized Medicine
Classification: Benign. Last evaluated: 2016-03-29. Review status: criteria provided, single submitter. Criteria: LMM Criteria. Collection method: clinical testing. Allele origin: germline.
Comment: Variant identified in a genome or exome case(s) and assessed due to predicted null impact of the variant or pathogenic assertions in the literature or databases. Disclaimer: This variant has not undergone full assessment. The following are preliminary notes: Frequency

Breakthrough Genomics
Classification: Benign. Review status: criteria provided, single submitter. Criteria: ACMG Guidelines, 2015. Collection method: not provided. Allele origin: germline. Inheritance: Autosomal recessive inheritance. Affected: yes.

PreventionGenetics, part of Exact Sciences
Classification: Benign for DNAH2-related condition. Last evaluated: 2019-05-13. Review status: no assertion criteria provided. Collection method: clinical testing. Allele origin: germline. Not counted in ClinVar's aggregate classification.
Comment: This variant is classified as benign based on ACMG/AMP sequence variant interpretation guidelines (Richards et al. 2015 PMID: 25741868, with internal and published modifications).